The following is an entry in ClinVar:

NM_015160.3(PMPCA):c.914C>T (p.Ser305Phe)

Gene: PMPCA (peptidase, mitochondrial processing subunit alpha; plus strand). Cytogenetic location: 9q34.3.
Variant type: single nucleotide variant.
Coding change: c.914C>T on transcript NM_015160.3 (MANE Select); coding-DNA position 914, C replaced by T.
Protein change: p.Ser305Phe; replaces serine 305 with phenylalanine.
Molecular consequence: missense variant.
Genome position (GRCh38, 1-based): chr9:136,418,033, C>T. VCF-style: chr9-136418033-C-T. GRCh37 (hg19) VCF-style: chr9-139312485-C-T.
Other names: p.Ser305Phe; c.521C>T, p.Ser174Phe (NM_001282944.2); c.614C>T, p.Ser205Phe (NM_001282946.2); short protein forms S205F, S305F, S174F.
Identifiers: ClinVar variation 2208980 (VCV002208980.6), dbSNP rs146245454, ClinGen allele CA5336214.
Genomic context (GRCh38, chr9:136,418,033, plus strand): 5'-ATTGTTTTTCACATGGCGACACTTGCTTGTTTTCTTGGTTACAGCTAGAAAGAGACATGT[C>T]CAATGTCAGCCTGGGCCCGACCCCCATCCCCGAGCTCACGCACATCATGGTTGGACTGGA-3'
Protein context (NP_055975.1, residues 295-315): GGIAKLERDM[Ser305Phe]NVSLGPTPIP

ClinVar aggregate classification (germline): Uncertain significance. Review status: criteria provided, multiple submitters, no conflicts (2 of 4 stars). 3 submissions from 3 submitters: Uncertain significance (3). Last evaluated 2025-05-20.

Conditions:
Inborn genetic diseases. Identifiers: MedGen C0950123, MeSH D030342.

Allele frequency attached by ClinVar (database versions not stated): ExAC 0.00002; gnomAD exomes 0.00002; TOPMed 0.00006; ESP Exome Variant Server 0.00008; gnomAD 0.00010.
gnomAD v4.1: 37 of 1,613,002 alleles (0.0023%); highest among the groups gnomAD compares: African/African-American, 0.033%; no homozygotes.

Submissions (3):

Mayo Clinic Laboratories, Mayo Clinic
Classification: Uncertain significance. Last evaluated: 2025-05-20. Review status: criteria provided, single submitter. Criteria: ACMG Guidelines, 2015. Collection method: clinical testing. Allele origin: germline. Observed: 1 variant allele.

Labcorp Genetics (formerly Invitae), Labcorp
Classification: Uncertain significance. Last evaluated: 2024-08-30. Review status: criteria provided, single submitter. Criteria: Invitae Variant Classification Sherloc (09022015). Collection method: clinical testing. Allele origin: germline.
Comment: This sequence change replaces serine, which is neutral and polar, with phenylalanine, which is neutral and non-polar, at codon 305 of the PMPCA protein (p.Ser305Phe). This variant is present in population databases (rs146245454, gnomAD 0.04%). This variant has not been reported in the literature in individuals affected with PMPCA-related conditions. ClinVar contains an entry for this variant (Variation ID: 2208980). An algorithm developed to predict the effect of missense changes on protein structure and function (PolyPhen-2) suggests that this variant is likely to be disruptive. In summary, the available evidence is currently insufficient to determine the role of this variant in disease. Therefore, it has been classified as a Variant of Uncertain Significance.

Ambry Genetics
Classification: Uncertain significance for Inborn genetic diseases. Last evaluated: 2021-08-18. Review status: criteria provided, single submitter. Criteria: Ambry Variant Classification Scheme 2023. Collection method: clinical testing. Allele origin: germline.